The following is an entry in ClinVar:

NM_016507.4(CDK12):c.161G>T (p.Gly54Val)

Genes: CDK12 (cyclin dependent kinase 12; plus strand), LOC126862553 (CDK7 strongly-dependent group 2 enhancer GRCh37_chr17:37618166-37619365; plus strand). Cytogenetic location: 17q12.
Variant type: single nucleotide variant.
Coding change: c.161G>T on transcript NM_016507.4 (MANE Select); coding-DNA position 161, G replaced by T.
Protein change: p.Gly54Val; replaces glycine 54 with valine.
Molecular consequence: missense variant.
Genome position (GRCh38, 1-based): chr17:39,462,232, G>T. VCF-style: chr17-39462232-G-T. GRCh37 (hg19) VCF-style: chr17-37618485-G-T.
Other names: c.161G>T, p.Gly54Val (NM_015083.4); short protein forms G54V.
Identifiers: ClinVar variation 4224364 (VCV004224364.1).

ClinVar aggregate classification (germline): Uncertain significance (1 of 4 stars; one submission).

Submission:

Ambry Genetics
Classification: Uncertain significance. Last evaluated: 2025-08-08. Review status: criteria provided, single submitter. Criteria: Ambry Variant Classification Scheme 2023. Collection method: clinical testing. Allele origin: germline.
Comment: The p.G54V variant (also known as c.161G>T), located in coding exon 1 of the CDK12 gene, results from a G to T substitution at nucleotide position 161. The glycine at codon 54 is replaced by valine, an amino acid with dissimilar properties. This amino acid position is conserved. In addition, this alteration is predicted to be tolerated by in silico analysis. Based on the available evidence, the clinical significance of this variant remains unclear.